The following is an entry in ClinVar:

NM_015141.4(GPD1L):c.123G>A (p.Trp41Ter)

Gene: GPD1L (glycerol-3-phosphate dehydrogenase 1 like; plus strand). Cytogenetic location: 3p22.3.
Variant type: single nucleotide variant.
Coding change: c.123G>A on transcript NM_015141.4 (MANE Select); coding-DNA position 123, G replaced by A.
Protein change: p.Trp41Ter; replaces tryptophan 41 with a stop codon.
Molecular consequence: nonsense.
Genome position (GRCh38, 1-based): chr3:32,128,151, G>A. VCF-style: chr3-32128151-G-A. GRCh37 (hg19) VCF-style: chr3-32169643-G-A.
Other names: short protein forms W41*.
Identifiers: ClinVar variation 4858156 (VCV004858156.1).
Genomic context (GRCh38, chr3:32,128,151, plus strand): 5'-AAAAATAATTGGTAATAATGTCAAGAAACTTCAGAAATTTGCCTCCACAGTCAAGATGTG[G>A]GTCTTTGAAGAAACAGTGAATGGCAGAAAACTGACAGACATCATAAATAATGACCATGAA-3'

ClinVar aggregate classification (germline): Uncertain significance (1 of 4 stars; one submission).

Conditions:
Cardiovascular phenotype. Identifiers: MedGen CN230736.

Submission:

Ambry Genetics
Classification: Uncertain significance for Cardiovascular phenotype. Last evaluated: 2026-04-29. Review status: criteria provided, single submitter. Criteria: Ambry Variant Classification Scheme 2023. Collection method: clinical testing. Allele origin: germline.
Comment: The p.W41* variant (also known as c.123G>A), located in coding exon 2 of the GPD1L gene, results from a G to A substitution at nucleotide position 123. This changes the amino acid from a tryptophan to a stop codon within coding exon 2. The evidence for this gene-disease relationship is limited; therefore, the clinical significance of this variant is unclear.